The following is an entry in ClinVar:

ClinVar aggregate classification (germline): Benign/Likely benign. Review status: criteria provided, multiple submitters, no conflicts (2 of 4 stars). 6 submissions from 6 submitters: Benign (4); Likely benign (1). 1 of the submissions does not count toward it. Last evaluated 2026-02-03.

Conditions:
Pseudohypoaldosteronism type 2E (PHA2E). Also called: Pseudohypoaldosteronism Type IIE. Identifiers: Orphanet 300530, Orphanet 757, MedGen C3469606, MONDO:0013782, OMIM 614496.
Neurodevelopmental disorder with or without autism or seizures (NEDAUS). Identifiers: MedGen C5543225, MONDO:0030994, OMIM 619239.
CUL3-related disorder. Also called: CUL3-related disorders; CUL3-related condition.

Allele frequency attached by ClinVar (database versions not stated): 1000 Genomes Project 0.01138; 1000 Genomes Project 30x 0.01140; gnomAD 0.01261 and 0.01372; ESP Exome Variant Server 0.01353; TOPMed 0.01363.
gnomAD v4.1: 3,757 of 1,611,226 alleles (0.23%); highest among the groups gnomAD compares: African/African-American, 4.4%; 75 homozygotes.

Submissions (6):

Labcorp Genetics (formerly Invitae), Labcorp
Classification: Benign. Last evaluated: 2026-02-03. Review status: criteria provided, single submitter. Criteria: Invitae Variant Classification Sherloc (09022015). Collection method: clinical testing. Allele origin: germline.

Blueprint Genetics
Classification: Likely benign. Last evaluated: 2024-11-04. Review status: criteria provided, single submitter. Criteria: ACMG Guidelines, 2015. Collection method: clinical testing. Allele origin: germline.

Mayo Clinic Laboratories, Mayo Clinic
Classification: Benign. Last evaluated: 2023-01-13. Review status: criteria provided, single submitter. Criteria: ACMG Guidelines, 2015. Collection method: clinical testing. Allele origin: germline. Observed: 2 variant alleles.
Comment: BS1, BS2, BP4, BP7

Fulgent Genetics
Classification: Benign for Pseudohypoaldosteronism type 2E; Neurodevelopmental disorder with or without autism or seizures. Last evaluated: 2021-09-27. Review status: criteria provided, single submitter. Criteria: ACMG Guidelines, 2015. Collection method: clinical testing. Allele origin: unknown.

Illumina Laboratory Services, Illumina
Classification: Benign for Pseudohypoaldosteronism type 2E. Last evaluated: 2018-01-13. Review status: criteria provided, single submitter. Criteria: ICSL Variant Classification Criteria 13 December 2019. Collection method: clinical testing. Allele origin: germline.
Comment: This variant was observed in the ICSL laboratory as part of a predisposition screen in an ostensibly healthy population. It had not been previously curated by ICSL or reported in the Human Gene Mutation Database (HGMD: prior to June 1st, 2018), and was therefore a candidate for classification through an automated scoring system. Utilizing variant allele frequency, disease prevalence and penetrance estimates, and inheritance mode, an automated score was calculated to assess if this variant is too frequent to cause the disease. Based on the score and internal cut-off values, a variant classified as benign is not then subjected to further curation. The score for this variant resulted in a classification of benign for this disease.

PreventionGenetics, part of Exact Sciences
Classification: Benign for CUL3-related condition. Last evaluated: 2019-05-08. Review status: no assertion criteria provided. Collection method: clinical testing. Allele origin: germline. Not counted in ClinVar's aggregate classification.
Comment: This variant is classified as benign based on ACMG/AMP sequence variant interpretation guidelines (Richards et al. 2015 PMID: 25741868, with internal and published modifications).

NM_003590.5(CUL3):c.2052C>T (p.Ser684=)

Gene: CUL3 (cullin 3; minus strand). Cytogenetic location: 2q36.2.
Variant type: single nucleotide variant.
Coding change: c.2052C>T on transcript NM_003590.5 (MANE Select); coding-DNA position 2052, C replaced by T.
Protein change: p.Ser684=; no amino-acid change (serine 684 retained).
Molecular consequence: synonymous variant.
Genome position (GRCh38, 1-based): chr2:224,478,323, G>A on the plus strand (C>T on the coding strand, the complement: CUL3 is on the minus strand). VCF-style: chr2-224478323-G-A. GRCh37 (hg19) VCF-style: chr2-225343040-G-A.
Other names: p.Ser684=; c.1854C>T, p.Ser618= (NM_001257197.2); c.2070C>T, p.Ser690= (NM_001257198.2).
Identifiers: ClinVar variation 334627 (VCV000334627.20), dbSNP rs61743301, ClinGen allele CA2139846.